The following is an entry in ClinVar:

NM_002241.5(KCNJ10):c.466A>G (p.Ile156Val)

Gene: KCNJ10 (potassium inwardly rectifying channel subfamily J member 10; minus strand). Cytogenetic location: 1q23.2.
Variant type: single nucleotide variant.
Coding change: c.466A>G on transcript NM_002241.5 (MANE Select); coding-DNA position 466, A replaced by G.
Protein change: p.Ile156Val; replaces isoleucine 156 with valine.
Molecular consequence: missense variant.
Genome position (GRCh38, 1-based): chr1:160,042,067, T>C on the plus strand (A>G on the coding strand, the complement: KCNJ10 is on the minus strand). VCF-style: chr1-160042067-T-C. GRCh37 (hg19) VCF-style: chr1-160011857-T-C.
Other names: short protein forms I156V.
Identifiers: ClinVar variation 1499206 (VCV001499206.8), dbSNP rs564442753, ClinGen allele CA31470959.

ClinVar aggregate classification (germline): Uncertain significance (1 of 4 stars; one submission).

Conditions:
EAST syndrome (SESAMES). Also called: SEIZURES, SENSORINEURAL DEAFNESS, ATAXIA, IMPAIRED INTELLECTUAL DEVELOPMENT, AND ELECTROLYTE IMBALANCE. Identifiers: Orphanet 199343, MedGen C2748572, MONDO:0013005, OMIM 612780.

Allele frequency attached by ClinVar (database versions not stated): gnomAD exomes below 0.00001 and 0.00001.
gnomAD v4.1: 13 of 1,553,244 alleles (0.00084%); highest among the groups gnomAD compares: Non-Finnish European, 0.001%; no homozygotes.

Submission:

Labcorp Genetics (formerly Invitae), Labcorp
Classification: Uncertain significance for EAST syndrome. Last evaluated: 2021-02-21. Review status: criteria provided, single submitter. Criteria: Invitae Variant Classification Sherloc (09022015). Collection method: clinical testing. Allele origin: germline.
Comment: In summary, the available evidence is currently insufficient to determine the role of this variant in disease. Therefore, it has been classified as a Variant of Uncertain Significance. Algorithms developed to predict the effect of missense changes on protein structure and function (SIFT, PolyPhen-2, Align-GVGD) all suggest that this variant is likely to be tolerated, but these predictions have not been confirmed by published functional studies and their clinical significance is uncertain. This variant has not been reported in the literature in individuals with KCNJ10-related conditions. This variant is not present in population databases (ExAC no frequency). This sequence change replaces isoleucine with valine at codon 156 of the KCNJ10 protein (p.Ile156Val). The isoleucine residue is moderately conserved and there is a small physicochemical difference between isoleucine and valine.